The following is an entry in ClinVar:

ClinVar aggregate classification (germline): Uncertain significance (1 of 4 stars; one submission).

Conditions:
Familial encephalopathy with neuroserpin inclusion bodies. Also called: ENCEPHALOPATHY, FAMILIAL, WITH COLLINS BODIES. Identifiers: Orphanet 85110, MedGen C1858680, MONDO:0011412, OMIM 604218.

Submission:

Labcorp Genetics (formerly Invitae), Labcorp
Classification: Uncertain significance for Familial encephalopathy with neuroserpin inclusion bodies. Last evaluated: 2023-03-30. Review status: criteria provided, single submitter. Criteria: Invitae Variant Classification Sherloc (09022015). Collection method: clinical testing. Allele origin: germline.
Comment: This sequence change replaces asparagine, which is neutral and polar, with lysine, which is basic and polar, at codon 158 of the SERPINI1 protein (p.Asn158Lys). This variant is not present in population databases (gnomAD no frequency). This variant has not been reported in the literature in individuals affected with SERPINI1-related conditions. Advanced modeling of protein sequence and biophysical properties (such as structural, functional, and spatial information, amino acid conservation, physicochemical variation, residue mobility, and thermodynamic stability) performed at Invitae indicates that this missense variant is not expected to disrupt SERPINI1 protein function. In summary, the available evidence is currently insufficient to determine the role of this variant in disease. Therefore, it has been classified as a Variant of Uncertain Significance.

NM_001122752.2(SERPINI1):c.474C>A (p.Asn158Lys)

Gene: SERPINI1 (serpin family I member 1; plus strand). Cytogenetic location: 3q26.1.
Variant type: single nucleotide variant.
Coding change: c.474C>A on transcript NM_001122752.2 (MANE Select); coding-DNA position 474, C replaced by A.
Protein change: p.Asn158Lys; replaces asparagine 158 with lysine.
Molecular consequence: missense variant.
Genome position (GRCh38, 1-based): chr3:167,790,595, C>A. VCF-style: chr3-167790595-C-A. GRCh37 (hg19) VCF-style: chr3-167508383-C-A.
Other names: c.474C>A, p.Asn158Lys (NM_005025.5); short protein forms N158K.
Identifiers: ClinVar variation 2850911 (VCV002850911.3), dbSNP rs2476226825, ClinGen allele CA355156398.